The following is an entry in ClinVar:

NM_012188.5(FOXI1):c.1013C>T (p.Ala338Val)

Gene: FOXI1 (forkhead box I1; plus strand). Cytogenetic location: 5q35.1.
Variant type: single nucleotide variant.
Coding change: c.1013C>T on transcript NM_012188.5 (MANE Select); coding-DNA position 1013, C replaced by T.
Protein change: p.Ala338Val; replaces alanine 338 with valine.
Molecular consequence: missense variant.
Genome position (GRCh38, 1-based): chr5:170,108,487, C>T. VCF-style: chr5-170108487-C-T. GRCh37 (hg19) VCF-style: chr5-169535491-C-T.
Other names: c.728C>T, p.Ala243Val (NM_144769.4); short protein forms A338V, A243V.
Identifiers: ClinVar variation 352711 (VCV000352711.13), dbSNP rs367809742, ClinGen allele CA3555154.
Genomic context (GRCh38, chr5:170,108,487, plus strand): 5'-CCTTCAACTCCTTCTCCCCGCTCACCAACCTCAGCAACCACAGCGGTGGGGGTGACTGGG[C>T]GAACCCCATGCCCACCAACATGCTCAGCTATGGAGGATCTGTGCTCAGCCAATTCAGCCC-3'
Protein context (NP_036320.2, residues 328-348): LSNHSGGGDW[Ala338Val]NPMPTNMLSY

ClinVar aggregate classification (germline): Uncertain significance. Review status: criteria provided, multiple submitters, no conflicts (2 of 4 stars). 5 submissions from 5 submitters: Uncertain significance (5). Last evaluated 2026-06-26.

Conditions:
FOXI1-related disorder. Also called: FOXI1-related condition.
Autosomal recessive nonsyndromic hearing loss 4 (DFNB4). Also called: DEAFNESS, AUTOSOMAL RECESSIVE 4, WITH ENLARGED VESTIBULAR AQUEDUCT, DIGENIC; FOXI1-Related Pendred Syndrome; KCNJ10-Related Pendred Syndrome; Nonsyndromic enlarged vestibular aqueduct (NSEVA); Deafness, autosomal recessive 4, with enlarged vestibular aqueduct; NEUROSENSORY NONSYNDROMIC RECESSIVE DEAFNESS 4. Identifiers: Orphanet 90636, MedGen C3538946, MONDO:0010933, OMIM 600791.

Allele frequency attached by ClinVar (database versions not stated): gnomAD 0.00018 and 0.00020; TOPMed 0.00021; ESP Exome Variant Server 0.00008; ExAC 0.00013.

Submissions (5):

PreventionGenetics, part of Exact Sciences
Classification: Uncertain significance for FOXI1-related condition. Last evaluated: 2026-06-26. Review status: criteria provided, single submitter. Criteria: ACMG Guidelines, 2015. Collection method: clinical testing. Allele origin: germline.
Comment: The FOXI1 c.1013C>T variant is predicted to result in the amino acid substitution p.Ala338Val. To our knowledge, this variant has not been reported in the literature in FOXI1-related disorder or in a large population database (gnomAD), indicating this variant is rare. This variant is reported in 0.043% of alleles in individuals of Latino descent in gnomAD. At this time, the clinical significance of this variant is uncertain due to the absence of conclusive functional and genetic evidence.

Blueprint Genetics
Classification: Uncertain significance. Last evaluated: 2024-07-10. Review status: criteria provided, single submitter. Criteria: ACMG Guidelines, 2015. Collection method: clinical testing. Allele origin: germline.

Fulgent Genetics
Classification: Uncertain significance for Autosomal recessive nonsyndromic hearing loss 4. Last evaluated: 2024-03-21. Review status: criteria provided, single submitter. Criteria: ACMG Guidelines, 2015. Collection method: clinical testing. Allele origin: germline.

Labcorp Genetics (formerly Invitae), Labcorp
Classification: Uncertain significance. Last evaluated: 2022-03-09. Review status: criteria provided, single submitter. Criteria: Invitae Variant Classification Sherloc (09022015). Collection method: clinical testing. Allele origin: germline.
Comment: This sequence change replaces alanine, which is neutral and non-polar, with valine, which is neutral and non-polar, at codon 338 of the FOXI1 protein (p.Ala338Val). This variant is present in population databases (rs367809742, gnomAD 0.04%). This variant has not been reported in the literature in individuals affected with FOXI1-related conditions. ClinVar contains an entry for this variant (Variation ID: 352711). Algorithms developed to predict the effect of missense changes on protein structure and function (SIFT, PolyPhen-2, Align-GVGD) all suggest that this variant is likely to be tolerated. In summary, the available evidence is currently insufficient to determine the role of this variant in disease. Therefore, it has been classified as a Variant of Uncertain Significance.

Illumina Laboratory Services, Illumina
Classification: Uncertain significance for Autosomal recessive nonsyndromic hearing loss 4. Last evaluated: 2018-01-12. Review status: criteria provided, single submitter. Criteria: ICSL Variant Classification Criteria 13 December 2019. Collection method: clinical testing. Allele origin: germline.